The following is an entry in ClinVar:

ClinVar aggregate classification (germline): Likely pathogenic (1 of 4 stars; one submission).

Conditions:
Tuberous sclerosis 2 (TSC2). Identifiers: Orphanet 805, MedGen C1860707, MONDO:0013199, OMIM 613254.

Submission:

Institute for Genomic Medicine (IGM) Clinical Laboratory, Nationwide Children's Hospital
Classification: Likely pathogenic for Tuberous sclerosis 2. Last evaluated: 2025-10-29. Review status: criteria provided, single submitter. Criteria: ACMG Guidelines, 2015. Collection method: clinical testing. Allele origin: germline.
Comment: This variant is predicted to result in loss of function through nonsense-mediated decay of the encoded transcript or premature truncation of the encoded protein in a gene in which loss of function is a known mechanism of disease (ACMG/AMP: PVS1; PMIDs:10205261, 11112665). This variant is absent from or present at an exceedingly low frequency in gnomAD, a large-scale control population database (ACMG/AMP: PM2).

Literature cited by the submitters: PubMed 10205261; PubMed 11112665.

NM_000548.5(TSC2):c.1234G>T (p.Glu412Ter)

Gene: TSC2 (TSC complex subunit 2; plus strand). Cytogenetic location: 16p13.3.
Variant type: single nucleotide variant.
Coding change: c.1234G>T on transcript NM_000548.5 (MANE Select); coding-DNA position 1234, G replaced by T.
Protein change: p.Glu412Ter; replaces glutamic acid 412 with a stop codon.
Molecular consequence: nonsense. On other transcripts: 5 prime UTR variant (10), non-coding transcript variant (5).
Genome position (GRCh38, 1-based): chr16:2,061,985, G>T. VCF-style: chr16-2061985-G-T. GRCh37 (hg19) VCF-style: chr16-2111986-G-T.
Other names: c.634G>T, p.Glu212Ter (NM_001406683.1, NM_001406684.1, NM_001406685.1 and 6 more transcripts); c.-111G>T (NM_001406689.1, NM_001406690.1, NM_001406691.1 and 4 more transcripts); c.-79G>T (NM_001406694.1, NM_001406695.1); c.-287G>T (NM_001406698.1); c.1234G>T, p.Glu412Ter (NM_021055.3, NM_001077183.3, NM_001114382.3 and 6 more transcripts); c.1123G>T, p.Glu375Ter (NM_001318827.2, NM_001406670.1, NM_001406678.1); c.1087G>T, p.Glu363Ter (NM_001318829.2, NM_001406675.1, NM_001406676.1 and 1 more transcripts); c.1267G>T, p.Glu423Ter (NM_001318832.2); and 4 more; short protein forms E212*, E258*, E363*, E375*, E393*, E408*, E412*, E423*.
Identifiers: ClinVar variation 4759337 (VCV004759337.1).
Genomic context (GRCh38, chr16:2,061,985, plus strand): 5'-GAGGAGCTGTGTGACCAGAACGAGTTCCACGGGTCTCAGGAGAGATACTTTGAACTGGTG[G>T]AGAGATGTGCGGACCAGAGGCCTGTGAGACCCCCTCCTGGGTGGGGCCTTTGGGCTTTGG-3'